The following is an entry in ClinVar:

NM_001195263.2(PDZD7):c.2324G>A (p.Arg775His)

Gene: PDZD7 (PDZ domain containing 7; minus strand). Cytogenetic location: 10q24.31.
Variant type: single nucleotide variant.
Coding change: c.2324G>A on transcript NM_001195263.2 (MANE Select); coding-DNA position 2324, G replaced by A.
Protein change: p.Arg775His; replaces arginine 775 with histidine.
Molecular consequence: missense variant.
Genome position (GRCh38, 1-based): chr10:101,010,565, C>T on the plus strand (G>A on the coding strand, the complement: PDZD7 is on the minus strand). VCF-style: chr10-101010565-C-T. GRCh37 (hg19) VCF-style: chr10-102770322-C-T.
Other names: short protein forms R775H.
Identifiers: ClinVar variation 2169806 (VCV002169806.3), dbSNP rs779720907, ClinGen allele CA5653984.

ClinVar aggregate classification (germline): Uncertain significance (1 of 4 stars; one submission).

Allele frequency attached by ClinVar (database versions not stated): gnomAD 0.00001; ExAC 0.00011.
gnomAD v4.1: 15 of 1,487,120 alleles (0.001%); highest among the groups gnomAD compares: South Asian, 0.0024%; 1 homozygote.

Submission:

Labcorp Genetics (formerly Invitae), Labcorp
Classification: Uncertain significance. Last evaluated: 2022-06-08. Review status: criteria provided, single submitter. Criteria: Invitae Variant Classification Sherloc (09022015). Collection method: clinical testing. Allele origin: germline.
Comment: This variant has not been reported in the literature in individuals affected with PDZD7-related conditions. This sequence change replaces arginine, which is basic and polar, with histidine, which is basic and polar, at codon 775 of the PDZD7 protein (p.Arg775His). The frequency data for this variant in the population databases is considered unreliable, as metrics indicate poor data quality at this position in the gnomAD database. Algorithms developed to predict the effect of missense changes on protein structure and function are either unavailable or do not agree on the potential impact of this missense change (SIFT: "Deleterious"; PolyPhen-2: "Not Available"; Align-GVGD: "Class C0"). In summary, the available evidence is currently insufficient to determine the role of this variant in disease. Therefore, it has been classified as a Variant of Uncertain Significance.